The following is an entry in ClinVar:

NM_001291415.2(KDM6A):c.2269A>G (p.Thr757Ala)

Gene: KDM6A (lysine demethylase 6A; plus strand). Cytogenetic location: Xp11.3.
Variant type: single nucleotide variant.
Coding change: c.2269A>G on transcript NM_001291415.2 (MANE Select); coding-DNA position 2269, A replaced by G.
Protein change: p.Thr757Ala; replaces threonine 757 with alanine.
Molecular consequence: missense variant. On other transcripts: non-coding transcript variant (1).
Genome position (GRCh38, 1-based): chrX:45,069,768, A>G. VCF-style: chrX-45069768-A-G. GRCh37 (hg19) VCF-style: chrX-44929013-A-G.
Other names: c.2113A>G (NM_021140.2); c.2134A>G, p.Thr712Ala (NM_001291416.2); c.1978A>G, p.Thr660Ala (NM_001291417.2); c.1876A>G, p.Thr626Ala (NM_001291418.2); c.1225A>G, p.Thr409Ala (NM_001291421.2); c.2011A>G, p.Thr671Ala (NM_001410742.1); c.2113A>G, p.Thr705Ala (NM_021140.4); short protein forms T409A, T671A, T705A, T660A, T712A, T757A, T626A.
Identifiers: ClinVar variation 2000309 (VCV002000309.7), dbSNP rs2148039825, ClinGen allele CA412793035.

ClinVar aggregate classification (germline): Uncertain significance. Review status: criteria provided, multiple submitters, no conflicts (2 of 4 stars). 2 submissions from 2 submitters: Uncertain significance (2). Last evaluated 2026-09-19.

Conditions:
Kabuki syndrome 2 (KABUK2). Also called: KDM6A-Related Kabuki Syndrome. Identifiers: Orphanet 2322, MedGen C3275495, MONDO:0010465, OMIM 300867.

Allele frequency attached by ClinVar (database versions not stated): gnomAD exomes below 0.00001.
gnomAD v4.1: 3 of 1,210,263 alleles (0.00025%); highest among the groups gnomAD compares: Non-Finnish European, 0.00034%; no homozygotes.

Submissions (2):

GeneDx
Classification: Uncertain significance. Last evaluated: 2026-09-19. Review status: criteria provided, single submitter. Criteria: GeneDx Variant Classification Process June 2021. Collection method: clinical testing. Allele origin: germline.
Comment: Not observed at significant frequency in large population cohorts (gnomAD); In silico analysis supports that this missense variant has a deleterious effect on protein structure/function; Has not been previously published as pathogenic or benign to our knowledge

Labcorp Genetics (formerly Invitae), Labcorp
Classification: Uncertain significance for Kabuki syndrome 2. Last evaluated: 2022-06-02. Review status: criteria provided, single submitter. Criteria: Invitae Variant Classification Sherloc (09022015). Collection method: clinical testing. Allele origin: germline.
Comment: This variant is not present in population databases (gnomAD no frequency). This sequence change replaces threonine, which is neutral and polar, with alanine, which is neutral and non-polar, at codon 705 of the KDM6A protein (p.Thr705Ala). This variant has not been reported in the literature in individuals affected with KDM6A-related conditions. In summary, the available evidence is currently insufficient to determine the role of this variant in disease. Therefore, it has been classified as a Variant of Uncertain Significance. Algorithms developed to predict the effect of missense changes on protein structure and function are either unavailable or do not agree on the potential impact of this missense change (SIFT: "Deleterious"; PolyPhen-2: "Benign"; Align-GVGD: "Class C0").